The following is an entry in ClinVar:

t(6;9)(q23.3;p22.3)

Genes: MYB (MYB proto-oncogene, transcription factor; plus strand), NFIB (nuclear factor I B; minus strand). Cytogenetic location: 9p23.
Variant type: Translocation.
Identifiers: ClinVar variation 495137 (VCV000495137.1).

ClinVar aggregate classification (germline): Pathogenic (0 of 4 stars; one submission).

Conditions:
Adenoid cystic carcinoma. Also called: Adenocystic carcinoma. Identifiers: MedGen C0010606, MeSH D003528, MONDO:0004971.

Submission:

Genome Sciences Centre, British Columbia Cancer Agency
Classification: Pathogenic for Adenoid cystic carcinoma. Last evaluated: 2018-02-01. Review status: no assertion criteria provided. Collection method: research. Allele origin: somatic. Inheritance: Somatic mutation. Affected: yes. Observed: 1 variant allele.
Comment: Gene fusion known to be causative in this disease type.